The following is an entry in ClinVar:

NM_001242957.3(MAK):c.323A>C (p.Gln108Pro)

Gene: MAK (male germ cell associated kinase; minus strand). Cytogenetic location: 6p24.2.
Variant type: single nucleotide variant.
Coding change: c.323A>C on transcript NM_001242957.3 (MANE Select); coding-DNA position 323, A replaced by C.
Protein change: p.Gln108Pro; replaces glutamine 108 with proline.
Molecular consequence: missense variant. On other transcripts: non-coding transcript variant (2).
Genome position (GRCh38, 1-based): chr6:10,813,679, T>G on the plus strand (A>C on the coding strand, the complement: MAK is on the minus strand). VCF-style: chr6-10813679-T-G. GRCh37 (hg19) VCF-style: chr6-10813912-T-G.
Other names: c.323A>C, p.Gln108Pro (NM_001242385.2, NM_005906.6); c.221A>C, p.Gln74Pro (NM_001377262.1); short protein forms Q74P, Q108P.
Identifiers: ClinVar variation 1417843 (VCV001417843.3), dbSNP rs1777238265, ClinGen allele CA362721122.

ClinVar aggregate classification (germline): Uncertain significance (1 of 4 stars; one submission).

Submission:

Labcorp Genetics (formerly Invitae), Labcorp
Classification: Uncertain significance. Last evaluated: 2022-08-23. Review status: criteria provided, single submitter. Criteria: Invitae Variant Classification Sherloc (09022015). Collection method: clinical testing. Allele origin: germline.
Comment: This sequence change replaces glutamine, which is neutral and polar, with proline, which is neutral and non-polar, at codon 108 of the MAK protein (p.Gln108Pro). This variant is not present in population databases (gnomAD no frequency). This variant has not been reported in the literature in individuals affected with MAK-related conditions. ClinVar contains an entry for this variant (Variation ID: 1417843). Experimental studies and prediction algorithms are not available or were not evaluated, and the functional significance of this variant is currently unknown. In summary, the available evidence is currently insufficient to determine the role of this variant in disease. Therefore, it has been classified as a Variant of Uncertain Significance.